The following is an entry in ClinVar:

ClinVar aggregate classification (germline): Uncertain significance (1 of 4 stars; one submission).

Conditions:
Wiskott-Aldrich syndrome 2 (WAS2). Also called: WIPF1 DEFICIENCY. Identifiers: Orphanet 906, MedGen C3281001, MONDO:0013779, OMIM 614493.

Submission:

Labcorp Genetics (formerly Invitae), Labcorp
Classification: Uncertain significance for Wiskott-Aldrich syndrome 2. Last evaluated: 2022-06-18. Review status: criteria provided, single submitter. Criteria: Invitae Variant Classification Sherloc (09022015). Collection method: clinical testing. Allele origin: germline.
Comment: Algorithms developed to predict the effect of missense changes on protein structure and function are either unavailable or do not agree on the potential impact of this missense change (SIFT: "Not Available"; PolyPhen-2: "Probably Damaging"; Align-GVGD: "Not Available"). This variant has not been reported in the literature in individuals affected with WIPF1-related conditions. This variant is not present in population databases (gnomAD no frequency). This sequence change replaces proline, which is neutral and non-polar, with serine, which is neutral and polar, at codon 381 of the WIPF1 protein (p.Pro381Ser). In summary, the available evidence is currently insufficient to determine the role of this variant in disease. Therefore, it has been classified as a Variant of Uncertain Significance.

NM_001375834.1(WIPF1):c.1141C>T (p.Pro381Ser)

Gene: WIPF1 (WAS/WASL interacting protein family member 1; minus strand). Cytogenetic location: 2q31.1.
Variant type: single nucleotide variant.
Coding change: c.1141C>T on transcript NM_001375834.1 (MANE Select); coding-DNA position 1141, C replaced by T.
Protein change: p.Pro381Ser; replaces proline 381 with serine.
Molecular consequence: missense variant.
Genome position (GRCh38, 1-based): chr2:174,568,062, G>A on the plus strand (C>T on the coding strand, the complement: WIPF1 is on the minus strand). VCF-style: chr2-174568062-G-A. GRCh37 (hg19) VCF-style: chr2-175432790-G-A.
Other names: c.1141C>T, p.Pro381Ser (NM_001077269.1, NM_001375832.1, NM_001375833.1 and 2 more transcripts); c.763C>T, p.Pro255Ser (NM_001375839.1); short protein forms P255S, P381S.
Identifiers: ClinVar variation 2007910 (VCV002007910.4), dbSNP rs2468458106, ClinGen allele CA349337511.